The following is an entry in ClinVar:

ClinVar aggregate classification (germline): Uncertain significance (1 of 4 stars; one submission).

Conditions:
CRYBB2-related disorder. Also called: CRYBB2-related condition.

gnomAD v4.1: 5 of 1,614,136 alleles (0.00031%); highest among the groups gnomAD compares: South Asian, 0.0033%; no homozygotes.

Submission:

PreventionGenetics, part of Exact Sciences
Classification: Uncertain significance for CRYBB2-related condition. Last evaluated: 2025-01-18. Review status: criteria provided, single submitter. Criteria: ACMG Guidelines, 2015. Collection method: clinical testing. Allele origin: germline.
Comment: The CRYBB2 c.526G>A variant is predicted to result in the amino acid substitution p.Asp176Asn. This variant has been reported in the homozygous state in two siblings with congenital cataracts (Rechsteiner et al. 2021. PubMed ID: 34014271). This variant has not been reported in a large population database (gnomAD), indicating this variant is rare. Although we suspect that this variant may be pathogenic, at this time, the clinical significance of this variant is uncertain due to the absence of conclusive functional and genetic evidence.

NM_000496.3(CRYBB2):c.526G>A (p.Asp176Asn)

Gene: CRYBB2 (crystallin beta B2; plus strand). Cytogenetic location: 22q11.23.
Variant type: single nucleotide variant.
Coding change: c.526G>A on transcript NM_000496.3 (MANE Select); coding-DNA position 526, G replaced by A.
Protein change: p.Asp176Asn; replaces aspartic acid 176 with asparagine.
Molecular consequence: missense variant.
Genome position (GRCh38, 1-based): chr22:25,231,680, G>A. VCF-style: chr22-25231680-G-A. GRCh37 (hg19) VCF-style: chr22-25627647-G-A.
Other names: short protein forms D176N.
Identifiers: ClinVar variation 4979059 (VCV004979059.1).